The following is an entry in ClinVar:

NM_000059.4(BRCA2):c.9820T>G (p.Leu3274Val)

Gene: BRCA2 (BRCA2 DNA repair associated; plus strand). Cytogenetic location: 13q13.1.
Variant type: single nucleotide variant.
Coding change: c.9820T>G on transcript NM_000059.4 (MANE Select); coding-DNA position 9820, T replaced by G.
Protein change: p.Leu3274Val; replaces leucine 3274 with valine.
Molecular consequence: missense variant.
Genome position (GRCh38, 1-based): chr13:32,398,333, T>G. VCF-style: chr13-32398333-T-G. GRCh37 (hg19) VCF-style: chr13-32972470-T-G.
Other names: short protein forms L3274V.
Identifiers: ClinVar variation 52903 (VCV000052903.27), dbSNP rs80359244, ClinGen allele CA026305.

ClinVar aggregate classification (germline): Conflicting classifications of pathogenicity. Review status: criteria provided, conflicting classifications (1 of 4 stars). 9 submissions from 9 submitters: Uncertain significance (7); Likely benign (1). 1 of the submissions does not count toward it. Last evaluated 2025-10-09.

Conditions:
Hereditary breast ovarian cancer syndrome. Also called: Hereditary breast and ovarian cancer syndrome; Hereditary breast and ovarian cancer; Hereditary breast and ovarian cancer syndrome (HBOC); Breast and ovarian cancer; Hereditary breast and/or ovarian cancer syndrome; BRCA1- and BRCA2-Associated Hereditary Breast and Ovarian Cancer. Identifiers: Orphanet 145, MedGen C0677776, MeSH D061325, MONDO:0003582. Disease mechanism: loss of function.
Familial cancer of breast. Also called: BREAST CANCER, FAMILIAL; Hereditary breast cancer; hereditary breast carcinoma. Identifiers: Orphanet 227535, MedGen C0346153, MONDO:0016419, OMIM 114480. Disease mechanism: loss of function.
BRCA2-related cancer predisposition. Identifiers: MedGen CN377758, MONDO:0700269.
Hereditary cancer-predisposing syndrome. Also called: Neoplastic Syndromes, Hereditary; Tumor predisposition; Hereditary neoplastic syndrome; Hereditary Cancer Syndrome. Identifiers: Orphanet 140162, MedGen C0027672, MeSH D009386, MONDO:0015356.
Breast-ovarian cancer, familial, susceptibility to, 2 (BROVCA2). Also called: BRCA2 Hereditary Breast and Ovarian Cancer. Identifiers: Orphanet 145, MedGen C2675520, MONDO:0012933, OMIM 612555. Disease mechanism: loss of function.

Allele frequency attached by ClinVar (database versions not stated): TOPMed below 0.00001; gnomAD 0.00003.
gnomAD v4.1: 4 of 1,614,098 alleles (0.00025%); highest among the groups gnomAD compares: African/African-American, 0.0053%; no homozygotes.

Submissions (9):

Ambry Genetics
Classification: Uncertain significance for Hereditary cancer-predisposing syndrome. Last evaluated: 2025-10-09. Review status: criteria provided, single submitter. Criteria: Ambry Variant Classification Scheme 2023. Collection method: clinical testing. Allele origin: germline.
Comment: The p.L3274V variant (also known as c.9820T>G), located in coding exon 26 of the BRCA2 gene, results from a T to G substitution at nucleotide position 9820. The leucine at codon 3274 is replaced by valine, an amino acid with highly similar properties. This amino acid position is highly conserved in available vertebrate species. In addition, this alteration is predicted to be tolerated by in silico analysis. Since supporting evidence is limited at this time, the clinical significance of this alteration remains unclear.

Labcorp Genetics (formerly Invitae), Labcorp
Classification: Uncertain significance for Hereditary breast ovarian cancer syndrome. Last evaluated: 2025-03-05. Review status: criteria provided, single submitter. Criteria: Invitae Variant Classification Sherloc (09022015). Collection method: clinical testing. Allele origin: germline.
Comment: This sequence change replaces leucine, which is neutral and non-polar, with valine, which is neutral and non-polar, at codon 3274 of the BRCA2 protein (p.Leu3274Val). This variant is present in population databases (rs80359244, gnomAD 0.02%). This variant has not been reported in the literature in individuals affected with BRCA2-related conditions. ClinVar contains an entry for this variant (Variation ID: 52903). Invitae Evidence Modeling of protein sequence and biophysical properties (such as structural, functional, and spatial information, amino acid conservation, physicochemical variation, residue mobility, and thermodynamic stability) indicates that this missense variant is not expected to disrupt BRCA2 protein function with a negative predictive value of 95%. Algorithms developed to predict the effect of sequence changes on RNA splicing suggest that this variant may create or strengthen a splice site. In summary, the available evidence is currently insufficient to determine the role of this variant in disease. Therefore, it has been classified as a Variant of Uncertain Significance.

Myriad Genetics, Inc.
Classification: Likely benign for Breast-ovarian cancer, familial, susceptibility to, 2. Last evaluated: 2024-05-20. Review status: criteria provided, single submitter. Criteria: Myriad Autosomal Dominant, Autosomal Recessive and X-Linked Classification Criteria (2023). Collection method: clinical testing. Allele origin: unknown.
Comment: This variant is considered likely benign. This variant is strongly associated with less severe personal and family histories of cancer, typical for individuals without pathogenic variants in this gene [PMID: 25085752].

All of Us Research Program, National Institutes of Health
Classification: Uncertain significance for BRCA2-related cancer predisposition. Last evaluated: 2024-03-24. Review status: criteria provided, single submitter. Criteria: ACMG Guidelines, 2015. Collection method: clinical testing. Allele origin: germline. Inheritance: Autosomal dominant inheritance. Observed: 2 variant alleles, 2 heterozygotes.
Comment: This missense variant replaces leucine with valine at codon 3274 of the BRCA2 protein. Computational prediction suggests that this variant may not impact protein structure and function (internally defined REVEL score threshold <= 0.5, PMID: 27666373). To our knowledge, functional studies have not been reported for this variant. This variant has been reported in a multifactorial analysis with co-occurrence and family history likelihood ratios for pathogenicity of 1.0246 and 0.9369, respectively (PMID: 31131967). This variant has been identified in 2/31392 chromosomes in the general population by the Genome Aggregation Database (gnomAD). The available evidence is insufficient to determine the role of this variant in disease conclusively. Therefore, this variant is classified as a Variant of Uncertain Significance.

This study involves interpretation of variants in research participants for the purpose of population health screening. Participant phenotype was not available at the time of variant classification. Additional details can be found in publication PMID: 35346344, PMCID: PMC8962531

Color Diagnostics, LLC DBA Color Health
Classification: Uncertain significance for Hereditary cancer-predisposing syndrome. Last evaluated: 2024-02-01. Review status: criteria provided, single submitter. Criteria: ACMG Guidelines, 2015. Collection method: clinical testing. Allele origin: germline.
Comment: This missense variant replaces leucine with valine at codon 3274 of the BRCA2 protein. Computational prediction suggests that this variant may not impact protein structure and function. To our knowledge, functional studies have not been reported for this variant. This variant has been reported in a multifactorial analysis with co-occurrence and family history likelihood ratios for pathogenicity of 1.0246 and 0.9369, respectively (PMID: 31131967). This variant has been identified in 2/31392 chromosomes in the general population by the Genome Aggregation Database (gnomAD). The available evidence is insufficient to determine the role of this variant in disease conclusively. Therefore, this variant is classified as a Variant of Uncertain Significance.

Baylor Genetics
Classification: Uncertain significance for Familial cancer of breast. Last evaluated: 2023-09-11. Review status: criteria provided, single submitter. Criteria: ACMG Guidelines, 2015. Collection method: clinical testing. Allele origin: unknown.

Mendelics
Classification: Uncertain significance for Breast-ovarian cancer, familial, susceptibility to, 2. Last evaluated: 2019-05-28. Review status: criteria provided, single submitter. Criteria: Mendelics Assertion Criteria 2017. Collection method: clinical testing. Allele origin: unknown.

GeneDx
Classification: Uncertain significance. Last evaluated: 2016-08-09. Review status: criteria provided, single submitter. Criteria: GeneDx Variant Classification (06012015). Collection method: clinical testing. Allele origin: germline. Affected: yes.
Comment: This variant is denoted BRCA2 c.9820T>G at the cDNA level, p.Leu3274Val (L3274V) at the protein level, and results in the change of a Leucine to a Valine (TTG>GTG). This variant, also known as BRCA2 10048T>G using alternate nomenclature, has not, to our knowledge, been published in the literature as pathogenic or benign. BRCA2 Leu3274Val was not observed in approximately 6,500 individuals of European and African American ancestry in the NHLBI Exome Sequencing Project, suggesting it is not a common benign variant in these populations. Since Leucine and Valine share similar properties, this is considered a conservative amino acid substitution. BRCA2 Leu3274Val occurs a position that is conserved across species and is not located in a known functional domain (Cole 2011). Protein-based in silico analyses are inconsistent regarding the effect this variant may have on protein structure and function. However, multiple splicing models predict that this variant may create a cryptic splice donor site and lead to abnormal splicing; though, in the absence of RNA or functional studies, the actual effect of this variant is unknown. Based on currently available evidence, it is unclear whether BRCA2 Leu3274Val is a pathogenic or benign variant. We consider it to be a variant of uncertain significance.

Breast Cancer Information Core (BIC) (BRCA2)
Classification: Uncertain significance for Breast-ovarian cancer, familial 2. Last evaluated: 2003-12-23. Review status: no assertion criteria provided. Collection method: clinical testing. Allele origin: germline. Affected: yes. Observed: 1 variant allele. Not counted in ClinVar's aggregate classification.

Literature cited by the submitters: PubMed 25085752 (cited by Myriad Genetics, Inc.); PubMed 31131967 (cited by All of Us Research Program, National Institutes of Health and Color Diagnostics, LLC DBA Color Health).